The following is an entry in ClinVar:

NM_000059.4(BRCA2):c.3225T>C (p.Ser1075=)

Gene: BRCA2 (BRCA2 DNA repair associated; plus strand). Cytogenetic location: 13q13.1.
Variant type: single nucleotide variant.
Coding change: c.3225T>C on transcript NM_000059.4 (MANE Select); coding-DNA position 3225, T replaced by C.
Protein change: p.Ser1075=; no amino-acid change (serine 1075 retained).
Molecular consequence: synonymous variant.
Genome position (GRCh38, 1-based): chr13:32,337,580, T>C. VCF-style: chr13-32337580-T-C. GRCh37 (hg19) VCF-style: chr13-32911717-T-C.
Identifiers: ClinVar variation 184180 (VCV000184180.38), dbSNP rs779228375, ClinGen allele CA017577.

ClinVar aggregate classification (germline): Likely benign. Review status: reviewed by expert panel (3 of 4 stars). 17 submissions from 16 submitters: Likely benign (1). 16 of the submissions do not count toward it. Last evaluated 2017-06-29.

Conditions:
BRCA2-related cancer predisposition. Identifiers: MedGen CN377758, MONDO:0700269.
Hereditary cancer-predisposing syndrome. Also called: Tumor predisposition; Neoplastic Syndromes, Hereditary; Hereditary neoplastic syndrome; Hereditary Cancer Syndrome. Identifiers: Orphanet 140162, MedGen C0027672, MeSH D009386, MONDO:0015356.
Breast and/or ovarian cancer. Identifiers: MedGen CN221562.
Hereditary breast ovarian cancer syndrome. Also called: Hereditary breast and ovarian cancer; BRCA1- and BRCA2-Associated Hereditary Breast and Ovarian Cancer; Breast and ovarian cancer; Hereditary breast and/or ovarian cancer syndrome; Hereditary breast and ovarian cancer syndrome; Hereditary breast and ovarian cancer syndrome (HBOC). Identifiers: Orphanet 145, MedGen C0677776, MeSH D061325, MONDO:0003582. Disease mechanism: loss of function.
Fanconi anemia complementation group D1. Also called: BRCA2-Related Fanconi Anemia. Identifiers: Orphanet 319462, MedGen C1838457, MONDO:0011584, OMIM 605724.
Breast-ovarian cancer, familial, susceptibility to, 2 (BROVCA2). Also called: BRCA2 Hereditary Breast and Ovarian Cancer. Identifiers: Orphanet 145, MedGen C2675520, MONDO:0012933, OMIM 612555. Disease mechanism: loss of function.

Allele frequency attached by ClinVar (database versions not stated): ExAC 0.00003; gnomAD 0.00003 and 0.00002; gnomAD exomes 0.00002; TOPMed 0.00002.
gnomAD v4.1: 29 of 1,599,536 alleles (0.0018%); highest among the groups gnomAD compares: Admixed American, 0.0069%; no homozygotes.

Submissions (17):

Evidence-based Network for the Interpretation of Germline Mutant Alleles (ENIGMA)
Classification: Likely benign for Breast-ovarian cancer, familial, susceptibility to, 2. Last evaluated: 2017-06-29. Review status: reviewed by expert panel. Criteria: ENIGMA BRCA1/2 Classification Criteria (2017-06-29). Collection method: curation. Allele origin: germline.
Comment: Synonymous substitution variant, with low bioinformatic likelihood to result in a splicing aberration (Splicing prior probability 0.02).

Labcorp Genetics (formerly Invitae), Labcorp
Classification: Likely benign for Hereditary breast ovarian cancer syndrome. Last evaluated: 2026-01-13. Review status: criteria provided, single submitter. Criteria: Invitae Variant Classification Sherloc (09022015). Collection method: clinical testing. Allele origin: germline. Not counted in ClinVar's aggregate classification.

Center for Genomic Medicine, Rigshospitalet, Copenhagen University Hospital
Classification: Likely benign. Last evaluated: 2025-03-04. Review status: criteria provided, single submitter. Criteria: ACMG Guidelines, 2015. Collection method: clinical testing. Allele origin: germline. Not counted in ClinVar's aggregate classification.

Department of Pathology and Laboratory Medicine, Sinai Health System
Classification: Likely benign for BRCA2-related cancer predisposition. Last evaluated: 2024-04-09. Review status: criteria provided, single submitter. Criteria: ACMG Guidelines, 2015. Collection method: clinical testing. Allele origin: germline. Affected: no. Not counted in ClinVar's aggregate classification.

All of Us Research Program, National Institutes of Health
Classification: Likely benign for Breast-ovarian cancer, familial, susceptibility to, 2. Last evaluated: 2024-02-05. Review status: criteria provided, single submitter. Criteria: ACMG Guidelines, 2015. Collection method: clinical testing. Allele origin: germline. Inheritance: Autosomal dominant inheritance. Observed: 6 variant alleles, 6 heterozygotes. Not counted in ClinVar's aggregate classification.
Comment: This study involves interpretation of variants in research participants for the purpose of population health screening. Participant phenotype was not available at the time of variant classification. Additional details can be found in publication PMID: 35346344, PMCID: PMC8962531

ARUP Laboratories, Molecular Genetics and Genomics, ARUP Laboratories
Classification: Likely benign. Last evaluated: 2023-10-27. Review status: criteria provided, single submitter. Criteria: ARUP Molecular Germline Variant Investigation Process 2024. Collection method: clinical testing. Allele origin: germline. Not counted in ClinVar's aggregate classification.

Blueprint Genetics
Classification: Likely benign. Last evaluated: 2023-03-06. Review status: criteria provided, single submitter. Criteria: ACMG Guidelines, 2015. Collection method: clinical testing. Allele origin: germline. Not counted in ClinVar's aggregate classification.

Quest Diagnostics Nichols Institute San Juan Capistrano
Classification: Likely benign. Last evaluated: 2019-12-31. Review status: criteria provided, single submitter. Criteria: Quest Diagnostics criteria. Collection method: clinical testing. Allele origin: unknown. Not counted in ClinVar's aggregate classification.

GeneDx
Classification: Likely benign. Last evaluated: 2019-12-06. Review status: criteria provided, single submitter. Criteria: GeneDx Variant Classification Process June 2021. Collection method: clinical testing. Allele origin: germline. Affected: yes. Not counted in ClinVar's aggregate classification.
Comment: This variant is associated with the following publications: (PMID: 28477318)

Women's Health and Genetics/Laboratory Corporation of America, LabCorp
Classification: Likely benign. Last evaluated: 2019-08-21. Review status: criteria provided, single submitter. Criteria: LabCorp Variant Classification Summary - May 2015. Collection method: clinical testing. Allele origin: germline. Not counted in ClinVar's aggregate classification.

Illumina Laboratory Services, Illumina
Classification: Likely benign for Breast-ovarian cancer, familial, susceptibility to, 2. Last evaluated: 2018-02-15. Review status: criteria provided, single submitter. Criteria: ICSL Variant Classification Criteria 13 December 2019. Collection method: clinical testing. Allele origin: germline. Not counted in ClinVar's aggregate classification.
Comment: This variant was observed as part of a predisposition screen in an ostensibly healthy population. A literature search was performed for the gene, cDNA change, and amino acid change (where applicable). Publications were found based on this search. The evidence from the literature, in combination with allele frequency data from public databases where available, was sufficient to determine this variant is unlikely to cause disease. Therefore, this variant is classified as likely benign.

Illumina Laboratory Services, Illumina
Classification: Likely benign for Fanconi anemia complementation group D1. Last evaluated: 2018-02-15. Review status: criteria provided, single submitter. Criteria: ICSL Variant Classification Criteria 13 December 2019. Collection method: clinical testing. Allele origin: germline. Not counted in ClinVar's aggregate classification.
Comment: the same text as in the submission from Illumina Laboratory Services, Illumina above.

Color Diagnostics, LLC DBA Color Health
Classification: Likely benign for Hereditary cancer-predisposing syndrome. Last evaluated: 2016-11-14. Review status: criteria provided, single submitter. Criteria: ACMG Guidelines, 2015. Collection method: clinical testing. Allele origin: germline. Not counted in ClinVar's aggregate classification.

Ambry Genetics
Classification: Likely benign for Hereditary cancer-predisposing syndrome. Last evaluated: 2014-09-17. Review status: criteria provided, single submitter. Criteria: Ambry Variant Classification Scheme 2023. Collection method: clinical testing. Allele origin: germline. Not counted in ClinVar's aggregate classification.

Institute for Biomarker Research, Medical Diagnostic Laboratories, L.L.C.
Classification: Likely benign for Hereditary breast ovarian cancer syndrome. Last evaluated: 2022-03-10. Review status: no assertion criteria provided. Collection method: clinical testing. Allele origin: germline. Not counted in ClinVar's aggregate classification.

Counsyl
Classification: Likely benign for Breast-ovarian cancer, familial, susceptibility to, 2. Last evaluated: 2016-05-25. Review status: no assertion criteria provided. Collection method: clinical testing. Allele origin: unknown. Not counted in ClinVar's aggregate classification.

Foulkes Cancer Genetics LDI, Lady Davis Institute for Medical Research
Classification: Uncertain significance for Breast and/or ovarian cancer. Last evaluated: 2014-09-15. Review status: no assertion criteria provided. Collection method: clinical testing. Allele origin: germline. Study: The Canadian Open Genetics Repository (COGR). Not counted in ClinVar's aggregate classification.

Literature cited by the submitters: PubMed 28477318 (cited by Quest Diagnostics Nichols Institute San Juan Capistrano and Illumina Laboratory Services, Illumina).